The following is an entry in ClinVar:

NM_021964.3(ZNF148):c.2131T>C (p.Ser711Pro)

Genes: ZNF148 (zinc finger protein 148; minus strand), LOC126806798 (P300/CBP strongly-dependent group 1 enhancer GRCh37_chr3:124950809-124952008; plus strand). Cytogenetic location: 3q21.2.
Variant type: single nucleotide variant.
Coding change: c.2131T>C on transcript NM_021964.3 (MANE Select); coding-DNA position 2131, T replaced by C.
Protein change: p.Ser711Pro; replaces serine 711 with proline.
Molecular consequence: missense variant.
Genome position (GRCh38, 1-based): chr3:125,232,595, A>G on the plus strand (T>C on the coding strand, the complement: ZNF148 is on the minus strand). VCF-style: chr3-125232595-A-G. GRCh37 (hg19) VCF-style: chr3-124951439-A-G.
Other names: c.2131T>C, p.Ser711Pro (NM_001348424.1, NM_001348425.2, NM_001348426.2 and 7 more transcripts); c.2005T>C, p.Ser669Pro (NM_001348434.2); short protein forms S669P, S711P.
Identifiers: ClinVar variation 4885447 (VCV004885447.2).

ClinVar aggregate classification (germline): Uncertain significance (1 of 4 stars; one submission).

Submission:

Dasa
Classification: Uncertain significance. Last evaluated: 2025-05-16. Review status: criteria provided, single submitter. Criteria: DASA Assertion Criteria. Collection method: clinical testing. Allele origin: germline.
Comment: NM_021964.3(ZNF148):c.2131T>C (p.Ser711Pro) is a missense variant that results in the substitution of serine with proline. This variant is absent from population databases. Computational prediction algorithms are consistent with a benign effect. The currently available literature and clinical evidence are not sufficient to establish a definitive association between this variant and the reported condition. Therefore, this variant is classified as a variant of uncertain significance.